The following is an entry in ClinVar:

ClinVar aggregate classification (germline): Pathogenic (1 of 4 stars; one submission).

Conditions:
Hereditary cancer-predisposing syndrome. Also called: Tumor predisposition; Hereditary neoplastic syndrome; Neoplastic Syndromes, Hereditary; Hereditary Cancer Syndrome. Identifiers: Orphanet 140162, MedGen C0027672, MeSH D009386, MONDO:0015356.

Submission:

Hauer Lab, Department Of Pediatric Oncology, Technical University Munich
Classification: Pathogenic for Hereditary cancer-predisposing syndrome. Review status: criteria provided, single submitter. Criteria: ACMG Guidelines, 2015. Collection method: research. Allele origin: germline. Inheritance: Codominant. Affected: yes. Observed: 1 variant allele.
Comment: ACMG/AMP, PVS1, PM2

Literature cited by the submitters: PubMed 37149759.

NM_000059.4(BRCA2):c.4214_4218del (p.Asn1405fs)

Gene: BRCA2 (BRCA2 DNA repair associated; plus strand). Cytogenetic location: 13q13.1.
Variant type: Deletion.
Coding change: c.4214_4218del on transcript NM_000059.4 (MANE Select); coding-DNA positions 4214 to 4218, 5 bases deleted (ATAAA; older notation c.4214_4218delATAAA).
Protein change: p.Asn1405fs; shifts the reading frame from asparagine 1405.
Molecular consequence: frameshift variant. On other transcripts: intron variant (2), non-coding transcript variant (1).
Genome position (GRCh38, 1-based): chr13:32,338,569-32,338,573, ATAAA deleted; deleting any 5 consecutive bases within chr13:32,338,567-32,338,573 gives the same sequence; the c. name uses the placement nearest the transcript's 3' end. VCF-style (leftmost placement, unchanged base first): chr13-32338566-CAAATA-C. GRCh37 (hg19) VCF-style: chr13-32912703-CAAATA-C.
Other names: c.425-5989_425-5985del (NM_001406722.1); c.4214_4218delATAAA, p.Asn1405Argfs (NM_000059.3); c.4214_4218del, p.Asn1405fs (NM_001406719.1, NM_001406720.1); c.1909+5182_1909+5186del (NM_001406721.1); short protein forms N1405fs.
Identifiers: ClinVar variation 2664375 (VCV002664375.1), dbSNP rs2548527891, ClinGen allele CA2695199717.
Genomic context (GRCh38, chr13:32,338,566, plus strand): 5'-TGTCAGATTTAACTTTTTTGGAAGTTGCGAAAGCTCAAGAAGCATGTCATGGTAATACTT[CAAATA>C]AAGAACAGTTAACTGCTACTAAAACGGAGCAAAATATAAAAGATTTTGAGACTTCTGATA-3'